The following is an entry in ClinVar:

ClinVar aggregate classification (germline): Uncertain significance (1 of 4 stars; one submission).

Conditions:
Cystic fibrosis (CF). Also called: MUCOVISCIDOSIS. Identifiers: Orphanet 586, MedGen C0010674, MONDO:0009061, OMIM 219700. Disease mechanism: loss of function.

Submission:

Labcorp Genetics (formerly Invitae), Labcorp
Classification: Uncertain significance for Cystic fibrosis. Last evaluated: 2022-05-25. Review status: criteria provided, single submitter. Criteria: Invitae Variant Classification Sherloc (09022015). Collection method: clinical testing. Allele origin: germline.
Comment: In summary, the available evidence is currently insufficient to determine the role of this variant in disease. Therefore, it has been classified as a Variant of Uncertain Significance. Algorithms developed to predict the effect of missense changes on protein structure and function (SIFT, PolyPhen-2, Align-GVGD) all suggest that this variant is likely to be tolerated. This variant has not been reported in the literature in individuals affected with CFTR-related conditions. This variant is not present in population databases (gnomAD no frequency). This sequence change replaces glutamic acid, which is acidic and polar, with lysine, which is basic and polar, at codon 730 of the CFTR protein (p.Glu730Lys).

NM_000492.4(CFTR):c.2188G>A (p.Glu730Lys)

Gene: CFTR (CF transmembrane conductance regulator; plus strand). Cytogenetic location: 7q31.2.
Variant type: single nucleotide variant.
Coding change: c.2188G>A on transcript NM_000492.4 (MANE Select); coding-DNA position 2188, G replaced by A.
Protein change: p.Glu730Lys; replaces glutamic acid 730 with lysine.
Molecular consequence: missense variant.
Genome position (GRCh38, 1-based): chr7:117,592,355, G>A. VCF-style: chr7-117592355-G-A. GRCh37 (hg19) VCF-style: chr7-117232409-G-A.
Other names: short protein forms E730K.
Identifiers: ClinVar variation 1999034 (VCV001999034.4), dbSNP rs397508349, ClinGen allele CA368980329.
Genomic context (GRCh38, chr7:117,592,355, plus strand): 5'-AAATTTTCCATTGTGCAAAAGACTCCCTTACAAATGAATGGCATCGAAGAGGATTCTGAT[G>A]AGCCTTTAGAGAGAAGGCTGTCCTTAGTACCAGATTCTGAGCAGGGAGAGGCGATACTGC-3'
Protein context (NP_000483.3, residues 720-740): QMNGIEEDSD[Glu730Lys]PLERRLSLVP